The following is an entry in ClinVar:

ClinVar aggregate classification (germline): Pathogenic (1 of 4 stars; one submission).

Conditions:
Hypertrophic cardiomyopathy. Also called: HYPERTROPHIC MYOCARDIOPATHY. Identifiers: Orphanet 217569, MedGen C0007194, MeSH D002312, MONDO:0005045, HP:0001639.

Allele frequency attached by ClinVar (database versions not stated): gnomAD exomes below 0.00001.

Submission:

Labcorp Genetics (formerly Invitae), Labcorp
Classification: Pathogenic for Hypertrophic cardiomyopathy. Last evaluated: 2025-10-18. Review status: criteria provided, single submitter. Criteria: Invitae Variant Classification Sherloc (09022015). Collection method: clinical testing. Allele origin: germline.
Comment: This sequence change creates a premature translational stop signal (p.Glu474Aspfs*14) in the MYBPC3 gene. It is expected to result in an absent or disrupted protein product. Loss-of-function variants in MYBPC3 are known to be pathogenic (PMID: 19574547). This variant is not present in population databases (gnomAD no frequency). This variant has not been reported in the literature in individuals affected with MYBPC3-related conditions. ClinVar contains an entry for this variant (Variation ID: 567881). For these reasons, this variant has been classified as Pathogenic.

Literature cited by the submitters: PubMed 19574547.

NM_000256.3(MYBPC3):c.1422del (p.Glu474fs)

Gene: MYBPC3 (myosin binding protein C3; minus strand). Cytogenetic location: 11p11.2.
Variant type: Deletion.
Coding change: c.1422del on transcript NM_000256.3 (MANE Select); coding-DNA position 1422, one base deleted (G; older notation c.1422delG).
Protein change: p.Glu474fs; shifts the reading frame from glutamic acid 474.
Molecular consequence: frameshift variant.
Genome position (GRCh38, 1-based): chr11:47,342,865, C deleted on the plus strand (G on the coding strand, the reverse complement: MYBPC3 is on the minus strand). VCF-style (leftmost placement, unchanged base first): chr11-47342864-AC-A. GRCh37 (hg19) VCF-style: chr11-47364415-AC-A.
Other names: c.1422del, p.Glu474fs (LRG_386t1); c.1422delG (NM_000256.3); short protein forms E474fs.
Identifiers: ClinVar variation 567881 (VCV000567881.6), dbSNP rs1565628062, ClinGen allele CA891842477.
Genomic context (GRCh38, chr11:47,342,864, plus strand): 5'-CCATGCCCCGTGCTTCTGGAACTCACCATTTGACTTGCGCCCCCTCCTCCGATACTTCAC[AC>A]TCAAACTCCACCCGCTGCCCCACCATCACCAGCTGGTCCTCCAAGGGGCGCGTGATGAGC-3'